The following is an entry in ClinVar:

ClinVar aggregate classification (germline): Uncertain significance. Review status: criteria provided, multiple submitters, no conflicts (2 of 4 stars). 2 submissions from 2 submitters: Uncertain significance (2). Last evaluated 2026-07-30.

Conditions:
Tumor predisposition syndrome 3 (TPDS3). Also called: Melanoma, cutaneous malignant, susceptibility to, 10; Glioma susceptibility 9; LONG TELOMERE SYNDROME, POT1-RELATED; POT1 Tumor Predisposition. Identifiers: Orphanet 618, MedGen C4014476, MONDO:0014368, OMIM 615848.
Hereditary cancer-predisposing syndrome. Also called: Neoplastic Syndromes, Hereditary; Hereditary Cancer Syndrome; Hereditary neoplastic syndrome; Tumor predisposition. Identifiers: Orphanet 140162, MedGen C0027672, MeSH D009386, MONDO:0015356.

Allele frequency attached by ClinVar (database versions not stated): gnomAD exomes below 0.00001; gnomAD 0.00001.
gnomAD v4.1: 8 of 1,546,346 alleles (0.00052%); highest among the groups gnomAD compares: Non-Finnish European, 0.00061%; no homozygotes.

Submissions (2):

Ambry Genetics
Classification: Uncertain significance for Hereditary cancer-predisposing syndrome. Last evaluated: 2026-07-30. Review status: criteria provided, single submitter. Criteria: Ambry Variant Classification Scheme 2023. Collection method: clinical testing. Allele origin: germline.
Comment: The c.1007-1G>A intronic variant results from a G to A substitution one nucleotide upstream from coding exon 9 of the POT1 gene. This nucleotide position is highly conserved in available vertebrate species. Alterations that disrupt the canonical splice site are expected to result in aberrant splicing. In silico splice site analysis predicts that this alteration will weaken the native splice acceptor site and will result in the creation or strengthening of a novel splice acceptor site. RNA studies have demonstrated that this variant results in a transcript predicted to lead to a protein with an in-frame deletion of 3 amino acids and insertion of 1 amino acid; however, the exact functional impact of the deleted amino acid(s) is unknown at this time (Ambry internal data). Based on the available evidence, the clinical significance of this variant remains unclear.

Labcorp Genetics (formerly Invitae), Labcorp
Classification: Uncertain significance for Tumor predisposition syndrome 3. Last evaluated: 2024-05-09. Review status: criteria provided, single submitter. Criteria: Invitae Variant Classification Sherloc (09022015). Collection method: clinical testing. Allele origin: germline.
Comment: This sequence change affects an acceptor splice site in intron 12 of the POT1 gene. RNA analysis indicates that disruption of this splice site induces altered splicing and likely results in the loss of 3 amino acid residue(s), but is expected to preserve the integrity of the reading-frame. This variant is not present in population databases (gnomAD no frequency). This variant has not been reported in the literature in individuals affected with POT1-related conditions. ClinVar contains an entry for this variant (Variation ID: 644801). Studies have shown that disruption of this splice site results in the activation of a cryptic splice site in exon 13 (Invitae). In summary, the available evidence is currently insufficient to determine the role of this variant in disease. Therefore, it has been classified as a Variant of Uncertain Significance.

NM_015450.3(POT1):c.1007-1G>A

Gene: POT1 (protection of telomeres 1; minus strand). Cytogenetic location: 7q31.33.
Variant type: single nucleotide variant.
Coding change: c.1007-1G>A on transcript NM_015450.3 (MANE Select); the canonical splice acceptor site of the intron before coding-DNA position 1007, G replaced by A.
Molecular consequence: splice acceptor variant.
Genome position (GRCh38, 1-based): chr7:124,842,964, C>T on the plus strand (G>A on the coding strand, the complement: POT1 is on the minus strand). VCF-style: chr7-124842964-C-T. GRCh37 (hg19) VCF-style: chr7-124483018-C-T.
Other names: c.614-1G>A (NM_001042594.2).
Identifiers: ClinVar variation 644801 (VCV000644801.13), dbSNP rs1584758519, ClinGen allele CA369068668.